The following is an entry in ClinVar:

NM_012203.2(GRHPR):c.84-12_84-5delinsTTT

Gene: GRHPR (glyoxylate and hydroxypyruvate reductase; plus strand). Cytogenetic location: 9p13.2.
Variant type: Indel.
Coding change: c.84-12_84-5delinsTTT on transcript NM_012203.2 (MANE Select); 12 bases into the intron before coding-DNA position 84 through 5 bases into the intron before coding-DNA position 84, CTTTCCCC replaced by TTT.
Molecular consequence: intron variant.
Genome position (GRCh38, 1-based): chr9:37,424,833-37,424,840, CTTTCCCC replaced by TTT. VCF-style: chr9-37424833-CTTTCCCC-TTT. GRCh37 (hg19) VCF-style: chr9-37424830-CTTTCCCC-TTT.
Other names: c.84-13_84-5delinsCTTT (NM_012203.2).
Identifiers: ClinVar variation 2664422 (VCV002664422.1), dbSNP rs2489231786, ClinGen allele CA2695201566.

ClinVar aggregate classification (germline): Pathogenic (1 of 4 stars; one submission).

Conditions:
Primary hyperoxaluria, type II (HP2). Also called: OXALOSIS II; Primary hyperoxaluria type 2; D-GLYCERATE DEHYDROGENASE DEFICIENCY; GLYCERIC ACIDURIA; GLYOXYLATE REDUCTASE/HYDROXYPYRUVATE REDUCTASE DEFICIENCY. Identifiers: Orphanet 416, Orphanet 93599, MedGen C0268165, MONDO:0009824, OMIM 260000. Disease mechanism: loss of function.

Submission:

Clinical Biochemistry Laboratory, Health Services Laboratory
Classification: Pathogenic for Primary hyperoxaluria, type II. Last evaluated: 2023-10-27. Review status: criteria provided, single submitter. Criteria: ACMG Guidelines, 2015. Collection method: clinical testing. Allele origin: germline. Affected: yes.
Comment: ACMG:PS3 PM2 PM2 PM3

Literature cited by the submitters: PubMed 11477177.